The following is an entry in ClinVar:

NM_032119.4(ADGRV1):c.2136C>A (p.Gly712=)

Gene: ADGRV1 (adhesion G protein-coupled receptor V1; plus strand). Cytogenetic location: 5q14.3.
Variant type: single nucleotide variant.
Coding change: c.2136C>A on transcript NM_032119.4 (MANE Select); coding-DNA position 2136, C replaced by A.
Protein change: p.Gly712=; no amino-acid change (glycine 712 retained).
Molecular consequence: synonymous variant. On other transcripts: non-coding transcript variant (1).
Genome position (GRCh38, 1-based): chr5:90,637,844, C>A. VCF-style: chr5-90637844-C-A. GRCh37 (hg19) VCF-style: chr5-89933661-C-A.
Other names: c.2136C>A (NM_032119.3).
Identifiers: ClinVar variation 2160630 (VCV002160630.6), dbSNP rs750486840, ClinGen allele CA3338841.

ClinVar aggregate classification (germline): Likely benign. Review status: criteria provided, multiple submitters, no conflicts (2 of 4 stars). 3 submissions from 3 submitters: Likely benign (3). Last evaluated 2025-11-25.

Conditions:
ADGRV1-related disorder. Also called: ADGRV1-related condition; ADGRV1-related disorders.

gnomAD v4.1: 15 of 1,613,464 alleles (0.00093%); highest among the groups gnomAD compares: Middle Eastern, 0.016%; no homozygotes.

Submissions (3):

PreventionGenetics, part of Exact Sciences
Classification: Likely benign for ADGRV1-related condition. Last evaluated: 2025-11-25. Review status: criteria provided, single submitter. Criteria: ACMG Guidelines, 2015. Collection method: clinical testing. Allele origin: germline.
Comment: This variant is classified as likely benign based on ACMG/AMP sequence variant interpretation guidelines (Richards et al. 2015 PMID: 25741868, with internal and published modifications).

Labcorp Genetics (formerly Invitae), Labcorp
Classification: Likely benign. Last evaluated: 2023-09-09. Review status: criteria provided, single submitter. Criteria: Invitae Variant Classification Sherloc (09022015). Collection method: clinical testing. Allele origin: germline.

Blueprint Genetics
Classification: Likely benign. Last evaluated: 2018-07-02. Review status: criteria provided, single submitter. Criteria: ACMG Guidelines, 2015. Collection method: clinical testing. Allele origin: germline.